The following is an entry in ClinVar:

ClinVar aggregate classification (germline): Uncertain significance (1 of 4 stars; one submission).

Submission:

Labcorp Genetics (formerly Invitae), Labcorp
Classification: Uncertain significance. Last evaluated: 2024-02-28. Review status: criteria provided, single submitter. Criteria: Invitae Variant Classification Sherloc (09022015). Collection method: clinical testing. Allele origin: germline.
Comment: This sequence change replaces glycine, which is neutral and non-polar, with arginine, which is basic and polar, at codon 52 of the HOMER2 protein (p.Gly52Arg). This variant is present in population databases (rs774130600, gnomAD 0.007%). This variant has not been reported in the literature in individuals affected with HOMER2-related conditions. An algorithm developed to predict the effect of missense changes on protein structure and function (PolyPhen-2) suggests that this variant is likely to be disruptive. In summary, the available evidence is currently insufficient to determine the role of this variant in disease. Therefore, it has been classified as a Variant of Uncertain Significance.

NM_004839.4(HOMER2):c.154G>A (p.Gly52Arg)

Gene: HOMER2 (homer scaffold protein 2; minus strand). Cytogenetic location: 15q25.2.
Variant type: single nucleotide variant.
Coding change: c.154G>A on transcript NM_004839.4 (MANE Select); coding-DNA position 154, G replaced by A.
Protein change: p.Gly52Arg; replaces glycine 52 with arginine.
Molecular consequence: missense variant.
Genome position (GRCh38, 1-based): chr15:82,892,693, C>T on the plus strand (G>A on the coding strand, the complement: HOMER2 is on the minus strand). VCF-style: chr15-82892693-C-T. GRCh37 (hg19) VCF-style: chr15-83561445-C-T.
Other names: c.154G>A, p.Gly52Arg (NM_199330.3); short protein forms G52R.
Identifiers: ClinVar variation 3629166 (VCV003629166.2).